The following is an entry in ClinVar:

NM_024426.6(WT1):c.62A>T (p.His21Leu)

Genes: WT1 (WT1 transcription factor; minus strand), LOC107982234 (WT1/WT1-AS bi-directional promoter region; plus strand). Cytogenetic location: 11p13.
Variant type: single nucleotide variant.
Coding change: c.62A>T on transcript NM_024426.6 (MANE Select); coding-DNA position 62, A replaced by T.
Protein change: p.His21Leu; replaces histidine 21 with leucine.
Molecular consequence: missense variant. On other transcripts: non-coding transcript variant (1).
Genome position (GRCh38, 1-based): chr11:32,435,299, T>A on the plus strand (A>T on the coding strand, the complement: WT1 is on the minus strand). VCF-style: chr11-32435299-T-A. GRCh37 (hg19) VCF-style: chr11-32456845-T-A.
Other names: c.62A>T, p.His21Leu (NM_000378.6, NM_024424.5); short protein forms H21L.
Identifiers: ClinVar variation 955292 (VCV000955292.11), dbSNP rs1853481014, ClinGen allele CA379966464.

ClinVar aggregate classification (germline): Uncertain significance. Review status: criteria provided, multiple submitters, no conflicts (2 of 4 stars). 2 submissions from 2 submitters: Uncertain significance (2). Last evaluated 2026-07-06.

Conditions:
Inborn genetic diseases. Identifiers: MedGen C0950123, MeSH D030342.
Wilms tumor 1 (WT1). Also called: Wilms tumor, somatic. Identifiers: Orphanet 654, MedGen CN033288, MONDO:0008679, OMIM 194070.
11p partial monosomy syndrome (WAGR). Also called: CHROMOSOME 11p13 DELETION SYNDROME; WAGR syndrome; WAGR Complex; WAGR Spectrum Disorder. Identifiers: Orphanet 893, MedGen C0206115, MONDO:0008681, OMIM 194072.
Drash syndrome (DDS). Also called: NEPHROPATHY, WILMS TUMOR, AND GENITAL ANOMALIES; WILMS TUMOR AND PSEUDO- OR TRUE HERMAPHRODITISM. Identifiers: Orphanet 220, MedGen C0950121, MONDO:0008682, OMIM 194080.
Frasier syndrome. Identifiers: Orphanet 347, MedGen C0950122, MeSH D052159, MONDO:0007635, OMIM 136680.

Submissions (2):

Ambry Genetics
Classification: Uncertain significance for Inborn genetic diseases. Last evaluated: 2026-07-06. Review status: criteria provided, single submitter. Criteria: Ambry Variant Classification Scheme 2023. Collection method: clinical testing. Allele origin: germline.
Comment: The p.H16L variant (also known as c.47A>T), located in coding exon 1 of the WT1 gene, results from an A to T substitution at nucleotide position 47. The histidine at codon 16 is replaced by leucine, an amino acid with similar properties. This amino acid position is conserved. In addition, this alteration is predicted to be tolerated by in silico analysis. Based on the available evidence, the clinical significance of this variant remains unclear.

Labcorp Genetics (formerly Invitae), Labcorp
Classification: Uncertain significance for Wilms tumor 1; Drash syndrome; 11p partial monosomy syndrome; Frasier syndrome. Last evaluated: 2019-10-29. Review status: criteria provided, single submitter. Criteria: Invitae Variant Classification Sherloc (09022015). Collection method: clinical testing. Allele origin: germline.
Comment: In summary, the available evidence is currently insufficient to determine the role of this variant in disease. Therefore, it has been classified as a Variant of Uncertain Significance. This sequence change replaces histidine with leucine at codon 16 of the WT1 protein (p.His16Leu). The histidine residue is weakly conserved and there is a moderate physicochemical difference between histidine and leucine. The frequency data for this variant in the population databases is considered unreliable, as metrics indicate insufficient coverage at this position in the ExAC database. This variant has not been reported in the literature in individuals with WT1-related conditions. Algorithms developed to predict the effect of missense changes on protein structure and function output the following: SIFT: "Deleterious"; PolyPhen-2: "Benign"; Align-GVGD: "Class C0". The leucine amino acid residue is found in multiple mammalian species, suggesting that this missense change does not adversely affect protein function. These predictions have not been confirmed by published functional studies and their clinical significance is uncertain.